The following is an entry in ClinVar:

NM_171998.4(RAB39B):c.*1656=

Gene: RAB39B (RAB39B, member RAS oncogene family; minus strand). Cytogenetic location: Xq28.
Variant type: single nucleotide variant.
Coding change: c.*1656= on transcript NM_171998.4 (MANE Select); 1656 bases downstream of the stop codon, no change from the reference sequence.
Molecular consequence: no sequence alteration.
Genome position: GRCh38 VCF-style: chrX-155259147-A-A. GRCh37 (hg19) VCF-style: chrX-154488432-G-A.
Identifiers: ClinVar variation 368133 (VCV000368133.6), dbSNP rs3105275.

ClinVar aggregate classification (germline): Benign. Review status: criteria provided, multiple submitters, no conflicts (2 of 4 stars). 2 submissions from 2 submitters: Benign (2). Last evaluated 2018-01-13.

Conditions:
Intellectual developmental disorder, X-linked 72. Also called: Intellectual disability, X-linked 72. Identifiers: Orphanet 777, MedGen C1846038, MONDO:0010289, OMIM 300271.

Allele frequency attached by ClinVar (database versions not stated): TOPMed 0.40522; 1000 Genomes Project 30x 0.41540.

Submissions (2):

Illumina Laboratory Services, Illumina
Classification: Benign for Intellectual developmental disorder, X-linked 72. Last evaluated: 2018-01-13. Review status: criteria provided, single submitter. Criteria: ICSL Variant Classification Criteria 13 December 2019. Collection method: clinical testing. Allele origin: germline.
Comment: This variant was observed in the ICSL laboratory as part of a predisposition screen in an ostensibly healthy population. It had not been previously curated by ICSL or reported in the Human Gene Mutation Database (HGMD: prior to June 1st, 2018), and was therefore a candidate for classification through an automated scoring system. Utilizing variant allele frequency, disease prevalence and penetrance estimates, and inheritance mode, an automated score was calculated to assess if this variant is too frequent to cause the disease. Based on the score and internal cut-off values, a variant classified as benign is not then subjected to further curation. The score for this variant resulted in a classification of benign for this disease.

Breakthrough Genomics
Classification: Benign. Review status: criteria provided, single submitter. Criteria: ACMG Guidelines, 2015. Collection method: not provided. Allele origin: germline. Inheritance: X-linked inheritance. Affected: yes.